The following is an entry in ClinVar:

ClinVar aggregate classification (germline): Uncertain significance. Review status: criteria provided, multiple submitters, no conflicts (2 of 4 stars). 2 submissions from 2 submitters: Uncertain significance (2). Last evaluated 2025-04-30.

Conditions:
Primary ciliary dyskinesia. Also called: Ciliary dyskinesia. Identifiers: Orphanet 244, MedGen C0008780, MONDO:0016575, HP:0012265.

gnomAD v4.1: 29 of 1,613,934 alleles (0.0018%); highest among the groups gnomAD compares: Admixed American, 0.013%; no homozygotes.

Submissions (2):

Molecular Genetics McLendon Clinical Laboratories, University of North Carolina at Chapel Hill
Classification: Uncertain significance for Primary ciliary dyskinesia. Last evaluated: 2025-04-30. Review status: criteria provided, single submitter. Criteria: ACMG Guidelines, 2015. Collection method: clinical testing. Allele origin: germline.

Labcorp Genetics (formerly Invitae), Labcorp
Classification: Uncertain significance for Primary ciliary dyskinesia. Last evaluated: 2024-10-20. Review status: criteria provided, single submitter. Criteria: Invitae Variant Classification Sherloc (09022015). Collection method: clinical testing. Allele origin: germline.
Comment: This sequence change replaces serine, which is neutral and polar, with leucine, which is neutral and non-polar, at codon 2944 of the DNAH8 protein (p.Ser2944Leu). This variant is present in population databases (rs778854844, gnomAD 0.01%). This variant has not been reported in the literature in individuals affected with DNAH8-related conditions. Experimental studies and prediction algorithms are not available or were not evaluated, and the functional significance of this variant is currently unknown. In summary, the available evidence is currently insufficient to determine the role of this variant in disease. Therefore, it has been classified as a Variant of Uncertain Significance.

NM_001206927.2(DNAH8):c.8831C>T (p.Ser2944Leu)

Gene: DNAH8 (dynein axonemal heavy chain 8; plus strand). Cytogenetic location: 6p21.2.
Variant type: single nucleotide variant.
Coding change: c.8831C>T on transcript NM_001206927.2 (MANE Select); coding-DNA position 8831, C replaced by T.
Protein change: p.Ser2944Leu; replaces serine 2944 with leucine.
Molecular consequence: missense variant.
Genome position (GRCh38, 1-based): chr6:38,896,116, C>T. VCF-style: chr6-38896116-C-T. GRCh37 (hg19) VCF-style: chr6-38863892-C-T.
Other names: c.8831C>T (NM_001206927.1); c.8180C>T, p.Ser2727Leu (NM_001371.4); short protein forms S2727L, S2944L.
Identifiers: ClinVar variation 3716848 (VCV003716848.2).